The following is an entry in ClinVar:

NM_145290.4(ADGRA3):c.563A>C (p.Tyr188Ser)

Gene: ADGRA3 (adhesion G protein-coupled receptor A3; minus strand). Cytogenetic location: 4p15.2.
Variant type: single nucleotide variant.
Coding change: c.563A>C on transcript NM_145290.4 (MANE Select); coding-DNA position 563, A replaced by C.
Protein change: p.Tyr188Ser; replaces tyrosine 188 with serine.
Molecular consequence: missense variant.
Genome position (GRCh38, 1-based): chr4:22,445,116, T>G on the plus strand (A>C on the coding strand, the complement: ADGRA3 is on the minus strand). VCF-style: chr4-22445116-T-G. GRCh37 (hg19) VCF-style: chr4-22446739-T-G.
Other names: short protein forms Y188S.
Identifiers: ClinVar variation 1041489 (VCV001041489.8), dbSNP rs1716782628, ClinGen allele CA356478550.

ClinVar aggregate classification (germline): Uncertain significance (1 of 4 stars; one submission).

Submission:

Labcorp Genetics (formerly Invitae), Labcorp
Classification: Uncertain significance. Last evaluated: 2022-02-24. Review status: criteria provided, single submitter. Criteria: Invitae Variant Classification Sherloc (09022015). Collection method: clinical testing. Allele origin: germline.
Comment: This sequence change replaces tyrosine, which is neutral and polar, with serine, which is neutral and polar, at codon 188 of the ADGRA3 protein (p.Tyr188Ser). This variant is not present in population databases (gnomAD no frequency). Algorithms developed to predict the effect of missense changes on protein structure and function are either unavailable or do not agree on the potential impact of this missense change (SIFT: "Tolerated"; PolyPhen-2: "Possibly Damaging"; Align-GVGD: "Class C0"). This variant has not been reported in the literature in individuals affected with ADGRA3-related conditions. ClinVar contains an entry for this variant (Variation ID: 1041489). In summary, the available evidence is currently insufficient to determine the role of this variant in disease. Therefore, it has been classified as a Variant of Uncertain Significance.